The following is an entry in ClinVar:

ClinVar aggregate classification (germline): Uncertain significance (1 of 4 stars; one submission).

gnomAD v4.1: 1 of 1,614,264 alleles (0.000062%); highest among the groups gnomAD compares: Non-Finnish European, 0.000085%; no homozygotes.

Submission:

Labcorp Genetics (formerly Invitae), Labcorp
Classification: Uncertain significance. Last evaluated: 2025-04-11. Review status: criteria provided, single submitter. Criteria: Invitae Variant Classification Sherloc (09022015). Collection method: clinical testing. Allele origin: germline.
Comment: This sequence change replaces glutamine, which is neutral and polar, with histidine, which is basic and polar, at codon 1306 of the CUL7 protein (p.Gln1306His). This variant is not present in population databases (gnomAD no frequency). This variant has not been reported in the literature in individuals affected with CUL7-related conditions. Invitae Evidence Modeling of protein sequence and biophysical properties (such as structural, functional, and spatial information, amino acid conservation, physicochemical variation, residue mobility, and thermodynamic stability) indicates that this missense variant is not expected to disrupt CUL7 protein function with a negative predictive value of 80%. In summary, the available evidence is currently insufficient to determine the role of this variant in disease. Therefore, it has been classified as a Variant of Uncertain Significance.

NM_014780.5(CUL7):c.3918G>C (p.Gln1306His)

Gene: CUL7 (cullin 7; minus strand). Cytogenetic location: 6p21.1.
Variant type: single nucleotide variant.
Coding change: c.3918G>C on transcript NM_014780.5 (MANE Select); coding-DNA position 3918, G replaced by C.
Protein change: p.Gln1306His; replaces glutamine 1306 with histidine.
Molecular consequence: missense variant.
Genome position (GRCh38, 1-based): chr6:43,040,635, C>G on the plus strand (G>C on the coding strand, the complement: CUL7 is on the minus strand). VCF-style: chr6-43040635-C-G. GRCh37 (hg19) VCF-style: chr6-43008373-C-G.
Other names: c.4014G>C, p.Gln1338His (NM_001168370.2, NM_001374872.1); c.3918G>C, p.Gln1306His (NM_001374873.1); c.3915G>C, p.Gln1305His (NM_001374874.1); short protein forms Q1338H, Q1306H, Q1305H.
Identifiers: ClinVar variation 4778897 (VCV004778897.1).
Genomic context (GRCh38, chr6:43,040,635, plus strand): 5'-CAGCTGCTGGAGCTGGTAGACGTGGAACTGGCGCTGCAGCTCCTTAGAGGTGCTCAGGCT[C>G]TGCAACATCTGCTGGGGGAGGCGGTTGGGGAAGCAGGGACCGATCTGCTCCAGCACGGCC-3'
Protein context (NP_055595.2, residues 1296-1316): FPNRLPQQML[Gln1306His]SLSTSKELQR